The following is an entry in ClinVar:

NM_003334.4(UBA1):c.1924G>C (p.Glu642Gln)

Gene: UBA1 (ubiquitin like modifier activating enzyme 1; plus strand). Cytogenetic location: Xp11.3.
Variant type: single nucleotide variant.
Coding change: c.1924G>C on transcript NM_003334.4 (MANE Select); coding-DNA position 1924, G replaced by C.
Protein change: p.Glu642Gln; replaces glutamic acid 642 with glutamine.
Molecular consequence: missense variant.
Genome position (GRCh38, 1-based): chrX:47,206,430, G>C. VCF-style: chrX-47206430-G-C. GRCh37 (hg19) VCF-style: chrX-47065829-G-C.
Other names: c.1924G>C, p.Glu642Gln (NM_153280.3); short protein forms E642Q.
Identifiers: ClinVar variation 577636 (VCV000577636.8), dbSNP rs1318594436, ClinGen allele CA412803474.

ClinVar aggregate classification (germline): Uncertain significance (1 of 4 stars; one submission).

Conditions:
Infantile-onset X-linked spinal muscular atrophy. Also called: AMC, DISTAL, X-LINKED; Spinal Muscular Atrophy, X-Linked Infantile; SPINAL MUSCULAR ATROPHY, X-LINKED LETHAL INFANTILE; ARTHROGRYPOSIS, X-LINKED, TYPE I; Spinal muscular atrophy, X-linked 2. Identifiers: Orphanet 1145, MedGen C1844934, MONDO:0010532, OMIM 301830.

Allele frequency attached by ClinVar (database versions not stated): TOPMed below 0.00001; gnomAD 0.00001.
gnomAD v4.1: 1 of 1,210,574 alleles (0.000083%); highest among the groups gnomAD compares: Non-Finnish European, 0.00011%; no homozygotes.

Submission:

Labcorp Genetics (formerly Invitae), Labcorp
Classification: Uncertain significance for Infantile-onset X-linked spinal muscular atrophy. Last evaluated: 2024-02-22. Review status: criteria provided, single submitter. Criteria: Invitae Variant Classification Sherloc (09022015). Collection method: clinical testing. Allele origin: germline.
Comment: This sequence change replaces glutamic acid, which is acidic and polar, with glutamine, which is neutral and polar, at codon 642 of the UBA1 protein (p.Glu642Gln). This variant is not present in population databases (gnomAD no frequency). This variant has not been reported in the literature in individuals affected with UBA1-related conditions. ClinVar contains an entry for this variant (Variation ID: 577636). An algorithm developed to predict the effect of missense changes on protein structure and function (PolyPhen-2) suggests that this variant is likely to be disruptive. In summary, the available evidence is currently insufficient to determine the role of this variant in disease. Therefore, it has been classified as a Variant of Uncertain Significance.